The following is an entry in ClinVar:

NM_001374353.1(GLI2):c.*1375A>C

Gene: GLI2 (GLI family zinc finger 2; plus strand). Cytogenetic location: 2q14.2.
Variant type: single nucleotide variant.
Coding change: c.*1375A>C on transcript NM_001374353.1 (MANE Select); 1375 bases downstream of the stop codon, A replaced by C.
Molecular consequence: 3 prime UTR variant.
Genome position (GRCh38, 1-based): chr2:120,992,050, A>C. VCF-style: chr2-120992050-A-C. GRCh37 (hg19) VCF-style: chr2-121749626-A-C.
Other names: c.*1375A>C (NM_001371271.1, NM_001374354.1, NM_005270.5).
Identifiers: ClinVar variation 331024 (VCV000331024.6), dbSNP rs200730065, ClinGen allele CA10612138.

ClinVar aggregate classification (germline): Benign. Review status: criteria provided, multiple submitters, no conflicts (2 of 4 stars). 2 submissions from 2 submitters: Benign (2). Last evaluated 2018-01-13.

Conditions:
Holoprosencephaly 9 (HPE9). Also called: PITUITARY ANOMALIES WITH HOLOPROSENCEPHALY-LIKE FEATURES; HOLOPROSENCEPHALY WITH MICROPHTHALMIA AND FIRST BRANCHIAL ARCH ANOMALIES. Identifiers: Orphanet 2162, MedGen C1835819, MONDO:0012563, OMIM 610829.

Allele frequency attached by ClinVar (database versions not stated): gnomAD 0.00405 and 0.00412; 1000 Genomes Project 0.06849; gnomAD exomes 0.00628.
gnomAD v4.1: 599 of 146,968 alleles (0.41%); highest among the groups gnomAD compares: East Asian, 0.96%; no homozygotes.

Submissions (2):

Illumina Laboratory Services, Illumina
Classification: Benign for Holoprosencephaly 9. Last evaluated: 2018-01-13. Review status: criteria provided, single submitter. Criteria: ICSL Variant Classification Criteria 13 December 2019. Collection method: clinical testing. Allele origin: germline.
Comment: This variant was observed in the ICSL laboratory as part of a predisposition screen in an ostensibly healthy population. It had not been previously curated by ICSL or reported in the Human Gene Mutation Database (HGMD: prior to June 1st, 2018), and was therefore a candidate for classification through an automated scoring system. Utilizing variant allele frequency, disease prevalence and penetrance estimates, and inheritance mode, an automated score was calculated to assess if this variant is too frequent to cause the disease. Based on the score and internal cut-off values, a variant classified as benign is not then subjected to further curation. The score for this variant resulted in a classification of benign for this disease.

Breakthrough Genomics
Classification: Benign. Review status: criteria provided, single submitter. Criteria: ACMG Guidelines, 2015. Collection method: not provided. Allele origin: germline. Inheritance: Autosomal dominant inheritance. Affected: yes.